The following is an entry in ClinVar:

NM_005633.4(SOS1):c.3703C>A (p.Pro1235Thr)

Gene: SOS1 (SOS Ras/Rac guanine nucleotide exchange factor 1; minus strand). Cytogenetic location: 2p22.1.
Variant type: single nucleotide variant.
Coding change: c.3703C>A on transcript NM_005633.4 (MANE Select); coding-DNA position 3703, C replaced by A.
Protein change: p.Pro1235Thr; replaces proline 1235 with threonine.
Molecular consequence: missense variant.
Genome position (GRCh38, 1-based): chr2:38,986,123, G>T on the plus strand (C>A on the coding strand, the complement: SOS1 is on the minus strand). VCF-style: chr2-38986123-G-T. GRCh37 (hg19) VCF-style: chr2-39213264-G-T.
Other names: c.3682C>A, p.Pro1228Thr (NM_001382394.1); c.3658C>A, p.Pro1220Thr (NM_001382395.1); short protein forms P1220T, P1228T, P1235T.
Identifiers: ClinVar variation 1309697 (VCV001309697.2), dbSNP rs397517168, ClinGen allele CA346362488.

ClinVar aggregate classification (germline): Uncertain significance (1 of 4 stars; one submission).

Submission:

GeneDx
Classification: Uncertain significance. Last evaluated: 2019-11-03. Review status: criteria provided, single submitter. Criteria: GeneDx Variant Classification Process June 2021. Collection method: clinical testing. Allele origin: germline. Affected: yes.
Comment: Not observed in large population cohorts (Lek et al., 2016); The majority of missense variants in this gene are considered pathogenic; In silico analysis, which includes protein predictors and evolutionary conservation, supports a deleterious effect; Has not been previously published as pathogenic or benign to our knowledge